The following is an entry in ClinVar:

NM_004655.4(AXIN2):c.1889G>C (p.Ser630Thr)

Gene: AXIN2 (axin 2; minus strand). Cytogenetic location: 17q24.1.
Variant type: single nucleotide variant.
Coding change: c.1889G>C on transcript NM_004655.4 (MANE Select); coding-DNA position 1889, G replaced by C.
Protein change: p.Ser630Thr; replaces serine 630 with threonine.
Molecular consequence: missense variant. On other transcripts: intron variant (1).
Genome position (GRCh38, 1-based): chr17:65,536,887, C>G on the plus strand (G>C on the coding strand, the complement: AXIN2 is on the minus strand). VCF-style: chr17-65536887-C-G. GRCh37 (hg19) VCF-style: chr17-63533005-C-G.
Other names: c.1713-334G>C (NM_001363813.1); c.1889G>C (NM_004655.3); short protein forms S630T.
Identifiers: ClinVar variation 999858 (VCV000999858.10), dbSNP rs578156841, ClinGen allele CA400676407.

ClinVar aggregate classification (germline): Uncertain significance. Review status: criteria provided, multiple submitters, no conflicts (2 of 4 stars). 2 submissions from 2 submitters: Uncertain significance (2). Last evaluated 2025-01-25.

Conditions:
Hereditary cancer-predisposing syndrome. Also called: Neoplastic Syndromes, Hereditary; Tumor predisposition; Hereditary Cancer Syndrome; Hereditary neoplastic syndrome. Identifiers: Orphanet 140162, MedGen C0027672, MeSH D009386, MONDO:0015356.
Oligodontia-cancer predisposition syndrome. Also called: TOOTH AGENESIS-COLORECTAL CANCER SYNDROME. Identifiers: Orphanet 300576, MedGen C1837750, MONDO:0012075, OMIM 608615. Disease mechanism: loss of function.

Submissions (2):

Ambry Genetics
Classification: Uncertain significance for Hereditary cancer-predisposing syndrome. Last evaluated: 2025-01-25. Review status: criteria provided, single submitter. Criteria: Ambry Variant Classification Scheme 2023. Collection method: clinical testing. Allele origin: germline.
Comment: The p.S630T variant (also known as c.1889G>C), located in coding exon 6 of the AXIN2 gene, results from a G to C substitution at nucleotide position 1889. The serine at codon 630 is replaced by threonine, an amino acid with similar properties. This amino acid position is conserved. In addition, this alteration is predicted to be tolerated by in silico analysis. Based on the available evidence, the clinical significance of this variant remains unclear.

Labcorp Genetics (formerly Invitae), Labcorp
Classification: Uncertain significance for Oligodontia-cancer predisposition syndrome. Last evaluated: 2023-11-18. Review status: criteria provided, single submitter. Criteria: Invitae Variant Classification Sherloc (09022015). Collection method: clinical testing. Allele origin: germline.
Comment: This sequence change replaces serine, which is neutral and polar, with threonine, which is neutral and polar, at codon 630 of the AXIN2 protein (p.Ser630Thr). This variant is not present in population databases (gnomAD no frequency). This variant has not been reported in the literature in individuals affected with AXIN2-related conditions. ClinVar contains an entry for this variant (Variation ID: 999858). Advanced modeling of protein sequence and biophysical properties (such as structural, functional, and spatial information, amino acid conservation, physicochemical variation, residue mobility, and thermodynamic stability) performed at Invitae indicates that this missense variant is not expected to disrupt AXIN2 protein function with a negative predictive value of 80%. In summary, the available evidence is currently insufficient to determine the role of this variant in disease. Therefore, it has been classified as a Variant of Uncertain Significance.